The following is an entry in ClinVar:

ClinVar aggregate classification (germline): Uncertain significance (1 of 4 stars; one submission).

Submission:

Labcorp Genetics (formerly Invitae), Labcorp
Classification: Uncertain significance. Last evaluated: 2024-04-18. Review status: criteria provided, single submitter. Criteria: Invitae Variant Classification Sherloc (09022015). Collection method: clinical testing. Allele origin: germline.
Comment: This sequence change replaces isoleucine, which is neutral and non-polar, with phenylalanine, which is neutral and non-polar, at codon 249 of the COL9A3 protein (p.Ile249Phe). This variant is not present in population databases (gnomAD no frequency). This variant has not been reported in the literature in individuals affected with COL9A3-related conditions. Advanced modeling of protein sequence and biophysical properties (such as structural, functional, and spatial information, amino acid conservation, physicochemical variation, residue mobility, and thermodynamic stability) performed at Invitae indicates that this missense variant is not expected to disrupt COL9A3 protein function with a negative predictive value of 95%. In summary, the available evidence is currently insufficient to determine the role of this variant in disease. Therefore, it has been classified as a Variant of Uncertain Significance.

NM_001853.4(COL9A3):c.745A>T (p.Ile249Phe)

Gene: COL9A3 (collagen type IX alpha 3 chain; plus strand). Cytogenetic location: 20q13.33.
Variant type: single nucleotide variant.
Coding change: c.745A>T on transcript NM_001853.4 (MANE Select); coding-DNA position 745, A replaced by T.
Protein change: p.Ile249Phe; replaces isoleucine 249 with phenylalanine.
Molecular consequence: missense variant.
Genome position (GRCh38, 1-based): chr20:62,826,773, A>T. VCF-style: chr20-62826773-A-T. GRCh37 (hg19) VCF-style: chr20-61458125-A-T.
Other names: short protein forms I249F.
Identifiers: ClinVar variation 3637714 (VCV003637714.2).
Genomic context (GRCh38, chr20:62,826,773, plus strand): 5'-GATGCCAGCCAGGCCTCAGACAAGAGGACCCCGGATCCCCTCTCTCCTCTGCAGGGTCCC[A>T]TTGGGTTCCGAGGGCCGCCTGGGATCCCAGGAGCGCCTGGGAAAGCGGTACGTGTGTCAG-3'
Protein context (NP_001844.3, residues 239-259): PLGPPGDRGP[Ile249Phe]GFRGPPGIPG